The following is an entry in ClinVar:

ClinVar aggregate classification (germline): Conflicting classifications of pathogenicity. Review status: criteria provided, conflicting classifications (1 of 4 stars). 7 submissions from 7 submitters: Likely pathogenic (1); Uncertain significance (5). 1 of the submissions does not count toward it. Last evaluated 2026-07-29.

Conditions:
WFS1-related disorder. Identifiers: MedGen CN379391, MONDO:0700293.
Spastic ataxia. Identifiers: Orphanet 316226, MedGen C1849156, MONDO:0017845, HP:0002497.
Autosomal dominant nonsyndromic hearing loss 6 (LFSNHL). Also called: DEAFNESS, AUTOSOMAL DOMINANT 14; DEAFNESS, AUTOSOMAL DOMINANT 38; Autosomal dominant nonsyndromic deafness 6; DEAFNESS, AUTOSOMAL DOMINANT 6. Identifiers: Orphanet 90635, MedGen C1833021, MONDO:0010963, OMIM 600965.
Type 2 diabetes mellitus. Also called: Type II diabetes mellitus. Identifiers: MedGen C0011860, MeSH D003924, MONDO:0005148, OMIM 125853, HP:0005978.
Cataract 41 (CTRCT41). Also called: CATARACT 41, CONGENITAL NUCLEAR TYPE. Identifiers: Orphanet 91492, Orphanet 98991, Orphanet 98992, Orphanet 98995, MedGen C3805412, MONDO:0007287, OMIM 116400.
Wolfram syndrome 1 (WFS1). Identifiers: Orphanet 3463, MedGen C4551693, MONDO:0009101, OMIM 222300.
Wolfram-like syndrome. Also called: HEARING LOSS, PROGRESSIVE, WITH OPTIC ATROPHY AND/OR IMPAIRED GLUCOSE REGULATION. Identifiers: Orphanet 411590, MedGen C3280358, MONDO:0013673, OMIM 614296.

Allele frequency attached by ClinVar (database versions not stated): gnomAD 0.00006; ESP Exome Variant Server 0.00008; TOPMed 0.00008; ExAC 0.00012; gnomAD exomes 0.00014.

Submissions (7):

GeneDx
Classification: Uncertain significance. Last evaluated: 2026-07-29. Review status: criteria provided, single submitter. Criteria: GeneDx Variant Classification Process June 2021. Collection method: clinical testing. Allele origin: germline.
Comment: In silico analysis supports that this missense variant has a deleterious effect on protein structure/function; This variant is associated with the following publications: (PMID: 12955714, 20738327, 26435059, 33841295, 34746052, 26934580, 34445196, 36147510, 11920861, 37444722, 37108562, 41998697)

Labcorp Genetics (formerly Invitae), Labcorp
Classification: Uncertain significance. Last evaluated: 2026-01-26. Review status: criteria provided, single submitter. Criteria: Invitae Variant Classification Sherloc (09022015). Collection method: clinical testing. Allele origin: germline.
Comment: This sequence change replaces glutamic acid, which is acidic and polar, with valine, which is neutral and non-polar, at codon 394 of the WFS1 protein (p.Glu394Val). This variant is present in population databases (rs146563951, gnomAD 0.02%). This missense change has been observed in individual(s) with deafness (PMID: 37108562). ClinVar contains an entry for this variant (Variation ID: 546078). Invitae Evidence Modeling of protein sequence and biophysical properties (such as structural, functional, and spatial information, amino acid conservation, physicochemical variation, residue mobility, and thermodynamic stability) indicates that this missense variant is expected to disrupt WFS1 protein function with a positive predictive value of 95%. In summary, the available evidence is currently insufficient to determine the role of this variant in disease. Therefore, it has been classified as a Variant of Uncertain Significance.

Blueprint Genetics
Classification: Uncertain significance. Last evaluated: 2024-10-08. Review status: criteria provided, single submitter. Criteria: ACMG Guidelines, 2015. Collection method: clinical testing. Allele origin: germline.

Fulgent Genetics
Classification: Uncertain significance for Cataract 41; Type 2 diabetes mellitus; Wolfram syndrome 1; Autosomal dominant nonsyndromic hearing loss 6; Wolfram-like syndrome. Last evaluated: 2024-02-15. Review status: criteria provided, single submitter. Criteria: ACMG Guidelines, 2015. Collection method: clinical testing. Allele origin: germline.

CeGaT Center for Human Genetics Tuebingen
Classification: Uncertain significance. Last evaluated: 2022-02-01. Review status: criteria provided, single submitter. Criteria: CeGaT Center For Human Genetics Tuebingen Variant Classification Criteria Version 2. Collection method: clinical testing. Allele origin: germline. Affected: yes. Observed: 1 variant allele.

Molecular Medicine for Neurodegenerative and Neuromuscular Diseases Unit, IRCCS Fondazione Stella Maris
Classification: Likely pathogenic for Spastic ataxia. Last evaluated: 2021-07-12. Review status: criteria provided, single submitter. Criteria: ACMG Guidelines, 2015. Collection method: research. Allele origin: unknown. Affected: yes.

PreventionGenetics, part of Exact Sciences
Classification: Uncertain significance for WFS1-related condition. Last evaluated: 2024-07-10. Review status: no assertion criteria provided. Collection method: clinical testing. Allele origin: germline. Not counted in ClinVar's aggregate classification.
Comment: The WFS1 c.1181A>T variant is predicted to result in the amino acid substitution p.Glu394Val. This variant was reported in a patient with optic neuropathy (Table S2, Charif. 2021. PubMed ID: 33841295) and was identified in a study of individuals that had completed suicide related to potential psychiatric disorders (Crawford. 2002. PubMed ID: 11920861). This variant was also reported in a patient with hereditary ataxia (Supplemental Tables, Galatolo. 2021. PubMed ID: 34445196) and an unaffected individual in a cohort of patients with hearing loss (Supplementary Data, Quaio. 2022. PubMed ID: 36147510 ). This variant is reported in 0.022% of alleles in individuals of European (Non-Finnish) descent in gnomAD, including >200 heterozygotes in the gnomAD v4.0.0 dataset. While we suspect this variant may be benign for autosomal dominant disorders, at this time the clinical significance of this variant is uncertain in regards to autosomal recessive Wolfram syndrome due to the absence of conclusive functional and genetic evidence.

Literature cited by the submitters: PubMed 37108562 (cited by Labcorp Genetics (formerly Invitae), Labcorp).

NM_006005.3(WFS1):c.1181A>T (p.Glu394Val)

Gene: WFS1 (wolframin ER transmembrane glycoprotein; plus strand). Cytogenetic location: 4p16.1.
Variant type: single nucleotide variant.
Coding change: c.1181A>T on transcript NM_006005.3 (MANE Select); coding-DNA position 1181, A replaced by T.
Protein change: p.Glu394Val; replaces glutamic acid 394 with valine.
Molecular consequence: missense variant.
Genome position (GRCh38, 1-based): chr4:6,300,976, A>T. VCF-style: chr4-6300976-A-T. GRCh37 (hg19) VCF-style: chr4-6302703-A-T.
Other names: c.1181A>T, p.Glu394Val (NM_001145853.1); short protein forms E394V.
Identifiers: ClinVar variation 546078 (VCV000546078.51), dbSNP rs146563951, ClinGen allele CA2839247.